The following is an entry in ClinVar:

NM_000431.4(MVK):c.60T>A (p.His20Gln)

Gene: MVK (mevalonate kinase; plus strand). Cytogenetic location: 12q24.11.
Variant type: single nucleotide variant.
Coding change: c.60T>A on transcript NM_000431.4 (MANE Select); coding-DNA position 60, T replaced by A.
Protein change: p.His20Gln; replaces histidine 20 with glutamine.
Molecular consequence: missense variant.
Genome position (GRCh38, 1-based): chr12:109,574,882, T>A. VCF-style: chr12-109574882-T-A. GRCh37 (hg19) VCF-style: chr12-110012687-T-A.
Other names: c.60T>A, p.His20Gln (NM_001114185.3, NM_001301182.2); short protein forms H20Q.
Identifiers: ClinVar variation 97602 (VCV000097602.11), dbSNP rs104895335, ClinGen allele CA149856.

ClinVar aggregate classification (germline): Pathogenic/Likely pathogenic. Review status: criteria provided, multiple submitters, no conflicts (2 of 4 stars). 5 submissions from 5 submitters: Pathogenic (2); Likely pathogenic (2). 1 of the submissions does not count toward it. Last evaluated 2026-08-01.

Conditions:
Hyperimmunoglobulin D with periodic fever (HIDS). Also called: Hyperimmunoglobulinemia D; HYPERIMMUNOGLOBULINEMIA D AND PERIODIC FEVER SYNDROME; Hyperimmunoglobulinemia D with periodic fever. Identifiers: Orphanet 343, MedGen C0398691, MONDO:0009849, OMIM 260920.
Porokeratosis 3, disseminated superficial actinic type (POROK3). Also called: POROKERATOSIS, DISSEMINATED SUPERFICIAL ACTINIC, 1; POROKERATOSIS 3, MULTIPLE TYPES; POROKERATOSIS 3, MIBELLI TYPE. Identifiers: MedGen C1867981, MONDO:0008293, OMIM 175900.
Mevalonic aciduria (MEVA). Identifiers: Orphanet 29, MedGen C1959626, MONDO:0012481, OMIM 610377.

Submissions (5):

CeGaT Center for Human Genetics Tuebingen
Classification: Pathogenic. Last evaluated: 2026-08-01. Review status: criteria provided, single submitter. Criteria: CeGaT Center For Human Genetics Tuebingen Variant Classification Criteria Version 2. Collection method: clinical testing. Allele origin: germline. Affected: yes. Observed: 1 variant allele.
Comment: MVK: PM3:Strong, PM1, PM2, PM5, PP3

Labcorp Genetics (formerly Invitae), Labcorp
Classification: Pathogenic for Mevalonic aciduria; Hyperimmunoglobulin D with periodic fever; Porokeratosis 3, disseminated superficial actinic type. Last evaluated: 2024-11-15. Review status: criteria provided, single submitter. Criteria: Invitae Variant Classification Sherloc (09022015). Collection method: clinical testing. Allele origin: germline.
Comment: This sequence change replaces histidine, which is basic and polar, with glutamine, which is neutral and polar, at codon 20 of the MVK protein (p.His20Gln). This variant is not present in population databases (gnomAD no frequency). This missense change has been observed in individual(s) with autosomal recessive mevalonate kinase deficiency (PMID: 15536479, 34145613). In at least one individual the data is consistent with being in trans (on the opposite chromosome) from a pathogenic variant. ClinVar contains an entry for this variant (Variation ID: 97602). Invitae Evidence Modeling of protein sequence and biophysical properties (such as structural, functional, and spatial information, amino acid conservation, physicochemical variation, residue mobility, and thermodynamic stability) indicates that this missense variant is expected to disrupt MVK protein function with a positive predictive value of 95%. This variant disrupts the p.His20 amino acid residue in MVK. Other variant(s) that disrupt this residue have been determined to be pathogenic (PMID: 11313769, 27213830, 28501347). This suggests that this residue is clinically significant, and that variants that disrupt this residue are likely to be disease-causing. For these reasons, this variant has been classified as Pathogenic.

3billion
Classification: Likely pathogenic for Hyperimmunoglobulin D with periodic fever. Last evaluated: 2023-12-18. Review status: criteria provided, single submitter. Criteria: ACMG Guidelines, 2015. Collection method: clinical testing. Allele origin: germline. Affected: yes.
Comment: The variant is not observed in the gnomAD v2.1.1 dataset. Predicted Consequence/Location: Missense variant In silico tool predictions suggest damaging effect of the variant on gene or gene product [REVEL: 0.86 (>=0.6, sensitivity 0.68 and specificity 0.92); 3Cnet: 0.88 (>=0.6, sensitivity 0.72 and precision 0.9)]. Same nucleotide change resulting in same amino acid change has been previously reported to be associated with MVK-related disorder (ClinVar ID: VCV000097602 /PMID: 15536479). Different missense changes at the same codon (p.His20Asn, p.His20Pro) has been reported as pathogenic/likely pathogenic with strong evidence (ClinVar ID: VCV000011931, VCV000649235 /PMID: 10369261, 11313769). Therefore, this variant is classified as Likely pathogenic according to the recommendation of ACMG/AMP guideline.

Mayo Clinic Laboratories, Mayo Clinic
Classification: Likely pathogenic. Last evaluated: 2019-12-18. Review status: criteria provided, single submitter. Criteria: ACMG Guidelines, 2015. Collection method: clinical testing. Allele origin: germline. Observed: 1 variant allele.
Comment: PM1, PM2, PM3, PM5, PP3

Unité médicale des maladies autoinflammatoires, CHRU Montpellier
No classification provided. Condition: Hyperimmunoglobulin D with periodic fever. Review status: no classification provided. Collection method: not provided. Allele origin: unknown. Not counted in ClinVar's aggregate classification.
Comment: also involved in OMIM 25117

Literature cited by the submitters: PubMed 15536479 (cited by 3 submitters); PubMed 34145613 (cited by Labcorp Genetics (formerly Invitae), Labcorp); PubMed 11313769 (cited by Labcorp Genetics (formerly Invitae), Labcorp and Mayo Clinic Laboratories, Mayo Clinic); PubMed 27213830 (cited by Labcorp Genetics (formerly Invitae), Labcorp and Mayo Clinic Laboratories, Mayo Clinic); PubMed 28501347 (cited by Labcorp Genetics (formerly Invitae), Labcorp and Mayo Clinic Laboratories, Mayo Clinic); PubMed 10369261 (cited by 3billion and Mayo Clinic Laboratories, Mayo Clinic); PubMed 21225694 (cited by Mayo Clinic Laboratories, Mayo Clinic); PubMed 10401001 (cited by Mayo Clinic Laboratories, Mayo Clinic); PubMed 12444096 (cited by Mayo Clinic Laboratories, Mayo Clinic); PubMed 31474985 (cited by Mayo Clinic Laboratories, Mayo Clinic); PubMed 28095071 (cited by Mayo Clinic Laboratories, Mayo Clinic).